The following is an entry in ClinVar:

NM_001042492.3(NF1):c.2485T>G (p.Ser829Ala)

Gene: NF1 (neurofibromin 1; plus strand). Cytogenetic location: 17q11.2.
Variant type: single nucleotide variant.
Coding change: c.2485T>G on transcript NM_001042492.3 (MANE Select); coding-DNA position 2485, T replaced by G.
Protein change: p.Ser829Ala; replaces serine 829 with alanine.
Molecular consequence: missense variant.
Genome position (GRCh38, 1-based): chr17:31,229,100, T>G. VCF-style: chr17-31229100-T-G. GRCh37 (hg19) VCF-style: chr17-29556118-T-G.
Other names: c.2485T>G, p.Ser829Ala (NM_000267.4); short protein forms S829A.
Identifiers: ClinVar variation 484116 (VCV000484116.11), dbSNP rs1555614202, ClinGen allele CA398984043.

ClinVar aggregate classification (germline): Conflicting classifications of pathogenicity. Review status: criteria provided, conflicting classifications (1 of 4 stars). 2 submissions from 2 submitters: Uncertain significance (1); Likely benign (1). Last evaluated 2026-04-17.

Conditions:
Hereditary cancer-predisposing syndrome. Also called: Tumor predisposition; Hereditary neoplastic syndrome; Neoplastic Syndromes, Hereditary; Hereditary Cancer Syndrome. Identifiers: Orphanet 140162, MedGen C0027672, MeSH D009386, MONDO:0015356.
Cardiovascular phenotype. Identifiers: MedGen CN230736.
Neurofibromatosis, type 1 (NF1). Also called: Neurofibromatosis, type I; VON RECKLINGHAUSEN DISEASE; NEUROFIBROMATOSIS, TYPE I, SOMATIC; Peripheral type neurofibromatosis. Identifiers: Orphanet 636, MedGen C0027831, MONDO:0018975, OMIM 162200. Disease mechanism: loss of function.

Submissions (2):

Ambry Genetics
Classification: Likely benign for Cardiovascular phenotype; Hereditary cancer-predisposing syndrome. Last evaluated: 2026-04-17. Review status: criteria provided, single submitter. Criteria: Ambry Variant Classification Scheme 2023. Collection method: clinical testing. Allele origin: germline.

Labcorp Genetics (formerly Invitae), Labcorp
Classification: Uncertain significance for Neurofibromatosis, type 1. Last evaluated: 2022-04-22. Review status: criteria provided, single submitter. Criteria: Invitae Variant Classification Sherloc (09022015). Collection method: clinical testing. Allele origin: germline.
Comment: This sequence change replaces serine, which is neutral and polar, with alanine, which is neutral and non-polar, at codon 829 of the NF1 protein (p.Ser829Ala). This variant is not present in population databases (gnomAD no frequency). This variant has not been reported in the literature in individuals affected with NF1-related conditions. ClinVar contains an entry for this variant (Variation ID: 484116). Advanced modeling of protein sequence and biophysical properties (such as structural, functional, and spatial information, amino acid conservation, physicochemical variation, residue mobility, and thermodynamic stability) performed at Invitae indicates that this missense variant is not expected to disrupt NF1 protein function. In summary, the available evidence is currently insufficient to determine the role of this variant in disease. Therefore, it has been classified as a Variant of Uncertain Significance.